The following is an entry in ClinVar:

ClinVar aggregate classification (germline): Uncertain significance (1 of 4 stars; one submission).

Conditions:
Bardet-Biedl syndrome (BBS). Identifiers: Orphanet 110, MedGen C0752166, MONDO:0015229.

Submission:

Labcorp Genetics (formerly Invitae), Labcorp
Classification: Uncertain significance for Bardet-Biedl syndrome. Last evaluated: 2024-04-08. Review status: criteria provided, single submitter. Criteria: Invitae Variant Classification Sherloc (09022015). Collection method: clinical testing. Allele origin: germline.
Comment: This sequence change replaces arginine, which is basic and polar, with proline, which is neutral and non-polar, at codon 53 of the BBS10 protein (p.Arg53Pro). This variant is not present in population databases (gnomAD no frequency). This variant has not been reported in the literature in individuals affected with BBS10-related conditions. ClinVar contains an entry for this variant (Variation ID: 2131084). Advanced modeling of protein sequence and biophysical properties (such as structural, functional, and spatial information, amino acid conservation, physicochemical variation, residue mobility, and thermodynamic stability) has been performed at Invitae for this missense variant, however the output from this modeling did not meet the statistical confidence thresholds required to predict the impact of this variant on BBS10 protein function. In summary, the available evidence is currently insufficient to determine the role of this variant in disease. Therefore, it has been classified as a Variant of Uncertain Significance.

NM_024685.4(BBS10):c.158G>C (p.Arg53Pro)

Gene: BBS10 (Bardet-Biedl syndrome 10; minus strand). Cytogenetic location: 12q21.2.
Variant type: single nucleotide variant.
Coding change: c.158G>C on transcript NM_024685.4 (MANE Select); coding-DNA position 158, G replaced by C.
Protein change: p.Arg53Pro; replaces arginine 53 with proline.
Molecular consequence: missense variant.
Genome position (GRCh38, 1-based): chr12:76,348,201, C>G on the plus strand (G>C on the coding strand, the complement: BBS10 is on the minus strand). VCF-style: chr12-76348201-C-G. GRCh37 (hg19) VCF-style: chr12-76741981-C-G.
Other names: short protein forms R53P.
Identifiers: ClinVar variation 2131084 (VCV002131084.4), dbSNP rs2540957752, ClinGen allele CA385816124.